The following is an entry in ClinVar:

NM_016138.5(COQ7):c.308C>T (p.Thr103Met)

Gene: COQ7 (coenzyme Q7, hydroxylase; plus strand). Cytogenetic location: 16p12.3.
Variant type: single nucleotide variant.
Coding change: c.308C>T on transcript NM_016138.5 (MANE Select); coding-DNA position 308, C replaced by T.
Protein change: p.Thr103Met; replaces threonine 103 with methionine.
Molecular consequence: missense variant. On other transcripts: non-coding transcript variant (2).
Genome position (GRCh38, 1-based): chr16:19,073,976, C>T. VCF-style: chr16-19073976-C-T. GRCh37 (hg19) VCF-style: chr16-19085298-C-T.
Other names: p.Thr103Met; c.194C>T, p.Thr65Met (NM_001190983.2, NM_001370492.1, NM_001370493.1 and 2 more transcripts); c.266C>T, p.Thr89Met (NM_001370489.1, NM_001370491.1); c.308C>T, p.Thr103Met (NM_001370490.1); short protein forms T89M, T65M, T103M.
Identifiers: ClinVar variation 678528 (VCV000678528.15), dbSNP rs11074359, ClinGen allele CA7932966.

ClinVar aggregate classification (germline): Benign. Review status: criteria provided, multiple submitters, no conflicts (2 of 4 stars). 5 submissions from 5 submitters: Benign (5). Last evaluated 2026-02-04.

Conditions:
Primary coenzyme Q10 deficiency 8. Identifiers: MedGen C4225226, MONDO:0014754, OMIM 616733.

Allele frequency attached by ClinVar (database versions not stated): TOPMed 0.54515; gnomAD 0.55635 and 0.54635; 1000 Genomes Project 30x 0.56480; 1000 Genomes Project 0.57468; gnomAD exomes 0.63242; ESP Exome Variant Server 0.53756.
gnomAD v4.1: 1,015,943 of 1,612,212 alleles (63%); highest among the groups gnomAD compares: East Asian, 82%; 325,810 homozygotes.

Submissions (5):

Labcorp Genetics (formerly Invitae), Labcorp
Classification: Benign. Last evaluated: 2026-02-04. Review status: criteria provided, single submitter. Criteria: Invitae Variant Classification Sherloc (09022015). Collection method: clinical testing. Allele origin: germline.

Mayo Clinic Laboratories, Mayo Clinic
Classification: Benign. Last evaluated: 2022-12-15. Review status: criteria provided, single submitter. Criteria: ACMG Guidelines, 2015. Collection method: clinical testing. Allele origin: germline. Observed: 1,099 variant alleles.

Genome-Nilou Lab
Classification: Benign for Primary coenzyme Q10 deficiency 8. Last evaluated: 2021-07-30. Review status: criteria provided, single submitter. Criteria: ACMG Guidelines, 2015. Collection method: clinical testing. Allele origin: germline. Affected: no.

GeneDx
Classification: Benign. Last evaluated: 2018-06-14. Review status: criteria provided, single submitter. Criteria: GeneDx Variant Classification (06012015). Collection method: clinical testing. Allele origin: germline. Affected: yes.
Comment: This variant is considered likely benign or benign based on one or more of the following criteria: it is a conservative change, it occurs at a poorly conserved position in the protein, it is predicted to be benign by multiple in silico algorithms, and/or has population frequency not consistent with disease.

Breakthrough Genomics
Classification: Benign. Review status: criteria provided, single submitter. Criteria: ACMG Guidelines, 2015. Collection method: not provided. Allele origin: germline. Inheritance: Autosomal recessive inheritance. Affected: yes.